The following is an entry in ClinVar:

NM_206933.4(USH2A):c.3493G>C (p.Val1165Leu)

Genes: USH2A (usherin; minus strand), USH2A-AS1 (USH2A antisense RNA 1; plus strand). Cytogenetic location: 1q41.
Variant type: single nucleotide variant.
Coding change: c.3493G>C on transcript NM_206933.4 (MANE Select); coding-DNA position 3493, G replaced by C.
Protein change: p.Val1165Leu; replaces valine 1165 with leucine.
Molecular consequence: missense variant.
Genome position (GRCh38, 1-based): chr1:216,199,945, C>G on the plus strand (G>C on the coding strand, the complement: USH2A is on the minus strand). VCF-style: chr1-216199945-C-G. GRCh37 (hg19) VCF-style: chr1-216373287-C-G.
Other names: c.3493G>C, p.Val1165Leu (NM_007123.6); short protein forms V1165L.
Identifiers: ClinVar variation 166510 (VCV000166510.48), dbSNP rs727503734, ClinGen allele CA179574.

ClinVar aggregate classification (germline): Uncertain significance. Review status: criteria provided, multiple submitters, no conflicts (2 of 4 stars). 5 submissions from 4 submitters: Uncertain significance (4). 1 of the submissions does not count toward it. Last evaluated 2023-11-04.

Conditions:
Usher syndrome type 2A. Also called: USHER SYNDROME, TYPE IIA; RETINAL DISEASE IN USHER SYNDROME TYPE IIA, MODIFIER OF. Identifiers: Orphanet 231178, Orphanet 886, MedGen C1848634, MONDO:0010169, OMIM 276901.
Retinitis pigmentosa 39 (RP39). Identifiers: Orphanet 791, MedGen C3151138, MONDO:0013436, OMIM 613809.

Allele frequency attached by ClinVar (database versions not stated): gnomAD exomes below 0.00001; TOPMed below 0.00001; ExAC 0.00001; gnomAD 0.00001.
gnomAD v4.1: 8 of 1,613,984 alleles (0.0005%); highest among the groups gnomAD compares: Non-Finnish European, 0.00068%; no homozygotes.

Submissions (5):

Genome-Nilou Lab
Classification: Uncertain significance for Retinitis pigmentosa 39. Last evaluated: 2023-11-04. Review status: criteria provided, single submitter. Criteria: ACMG Guidelines, 2015. Collection method: clinical testing. Allele origin: germline. Affected: no.

Genome-Nilou Lab
Classification: Uncertain significance for Usher syndrome type 2A. Last evaluated: 2023-11-04. Review status: criteria provided, single submitter. Criteria: ACMG Guidelines, 2015. Collection method: clinical testing. Allele origin: germline. Affected: no.

CeGaT Center for Human Genetics Tuebingen
Classification: Uncertain significance. Last evaluated: 2016-10-01. Review status: criteria provided, single submitter. Criteria: CeGaT Center For Human Genetics Tuebingen Variant Classification Criteria Version 2. Collection method: clinical testing. Allele origin: germline. Affected: yes. Observed: 1 variant allele.

Laboratory for Molecular Medicine, Mass General Brigham Personalized Medicine
Classification: Uncertain significance. Last evaluated: 2013-10-05. Review status: criteria provided, single submitter. Criteria: LMM Criteria. Collection method: clinical testing. Allele origin: germline. Observed: 1 variant allele.
Comment: Variant classified as Uncertain Significance - Favor Benign. The Val1165Leu vari ant in USH2A has not been reported in individuals with hearing loss or in large population studies. Computational analyses (biochemical amino acid properties, conservation, AlignGVGD, PolyPhen2, and SIFT) suggest that the Val1165Leu varian t may not impact the protein, though this information is not predictive enough t o rule out pathogenicity. In summary, the clinical significance of this variant cannot be determined with certainty; however based upon conservation and computa tional data, we would lean towards a more likely benign role.

Counsyl
Classification: Uncertain significance for Usher syndrome type 2A; Retinitis pigmentosa 39. Last evaluated: 2017-11-21. Review status: no assertion criteria provided. Collection method: clinical testing. Allele origin: unknown. Not counted in ClinVar's aggregate classification.